The following is an entry in ClinVar:

NM_016120.4(RLIM):c.1430C>T (p.Pro477Leu)

Gene: RLIM (ring finger protein, LIM domain interacting; minus strand). Cytogenetic location: Xq13.2.
Variant type: single nucleotide variant.
Coding change: c.1430C>T on transcript NM_016120.4 (MANE Select); coding-DNA position 1430, C replaced by T.
Protein change: p.Pro477Leu; replaces proline 477 with leucine.
Molecular consequence: missense variant.
Genome position (GRCh38, 1-based): chrX:74,591,885, G>A on the plus strand (C>T on the coding strand, the complement: RLIM is on the minus strand). VCF-style: chrX-74591885-G-A. GRCh37 (hg19) VCF-style: chrX-73811720-G-A.
Other names: c.1430C>T, p.Pro477Leu (NM_183353.3); short protein forms P477L.
Identifiers: ClinVar variation 1308144 (VCV001308144.2), dbSNP rs752758196, ClinGen allele CA10454600.
Genomic context (GRCh38, chrX:74,591,885, plus strand): 5'-TTACTGCCTTCAAATAAATCTGAGCTAGTTTCTGAACTTTCACCACCGGAACTGGAACTA[G>A]GACTGGAACTGGAACTTGAACTGGAACTGGAACTCGAACTGGAACTGGAACTCGAACTGG-3'
Protein context (NP_057204.2, residues 467-487): SSSSSSSSSS[Pro477Leu]SSSSGGESSE

ClinVar aggregate classification (germline): Uncertain significance (1 of 4 stars; one submission).

Allele frequency attached by ClinVar (database versions not stated): ExAC 0.00001; gnomAD exomes 0.00001.

Submission:

GeneDx
Classification: Uncertain significance. Last evaluated: 2019-08-27. Review status: criteria provided, single submitter. Criteria: GeneDx Variant Classification Process June 2021. Collection method: clinical testing. Allele origin: germline. Affected: yes.
Comment: Not observed at a significant frequency in large population cohorts (Lek et al., 2016); In silico analysis, which includes protein predictors and evolutionary conservation, supports that this variant does not alter protein structure/function; Has not been previously published as pathogenic or benign to our knowledge